The following is an entry in ClinVar:

ClinVar aggregate classification (germline): Likely benign. Review status: criteria provided, single submitter (1 of 4 stars). 2 submissions from 2 submitters: Likely benign (1). 1 of the submissions does not count toward it. Last evaluated 2023-01-24.

Conditions:
PLXNA1-related disorder. Also called: PLXNA1-related condition.

Allele frequency attached by ClinVar (database versions not stated): ExAC 0.00004; gnomAD 0.00004; TOPMed 0.00005; ESP Exome Variant Server 0.00008; gnomAD exomes 0.00008.
gnomAD v4.1: 121 of 1,613,608 alleles (0.0075%); highest among the groups gnomAD compares: Non-Finnish European, 0.0088%; no homozygotes.

Submissions (2):

Labcorp Genetics (formerly Invitae), Labcorp
Classification: Likely benign. Last evaluated: 2023-01-24. Review status: criteria provided, single submitter. Criteria: Invitae Variant Classification Sherloc (09022015). Collection method: clinical testing. Allele origin: germline.

PreventionGenetics, part of Exact Sciences
Classification: Likely benign for PLXNA1-related condition. Last evaluated: 2021-06-27. Review status: no assertion criteria provided. Collection method: clinical testing. Allele origin: germline. Not counted in ClinVar's aggregate classification.
Comment: This variant is classified as likely benign based on ACMG/AMP sequence variant interpretation guidelines (Richards et al. 2015 PMID: 25741868, with internal and published modifications).

NM_032242.4(PLXNA1):c.885C>T (p.Tyr295=)

Gene: PLXNA1 (plexin A1; plus strand). Cytogenetic location: 3q21.3.
Variant type: single nucleotide variant.
Coding change: c.885C>T on transcript NM_032242.4 (MANE Select); coding-DNA position 885, C replaced by T.
Protein change: p.Tyr295=; no amino-acid change (tyrosine 295 retained).
Molecular consequence: synonymous variant.
Genome position (GRCh38, 1-based): chr3:126,989,478, C>T. VCF-style: chr3-126989478-C-T. GRCh37 (hg19) VCF-style: chr3-126708321-C-T.
Other names: c.885C>T (NM_032242.3).
Identifiers: ClinVar variation 2889872 (VCV002889872.5), dbSNP rs146511348, ClinGen allele CA2593070.